The following is an entry in ClinVar:

NM_001166108.2(PALLD):c.2968C>A (p.Pro990Thr)

Genes: CBR4 (carbonyl reductase 4; minus strand), PALLD (palladin, cytoskeletal associated protein; plus strand). Cytogenetic location: 4q32.3.
Variant type: single nucleotide variant.
Coding change: c.2968C>A on transcript NM_001166108.2 (MANE Select); coding-DNA position 2968, C replaced by A.
Protein change: p.Pro990Thr; replaces proline 990 with threonine.
Molecular consequence: missense variant.
Genome position (GRCh38, 1-based): chr4:168,921,651, C>A. VCF-style: chr4-168921651-C-A. GRCh37 (hg19) VCF-style: chr4-169842802-C-A.
Other names: c.1771C>A, p.Pro591Thr (NM_001166109.2); c.1456C>A, p.Pro486Thr (NM_001166110.2); c.796C>A, p.Pro266Thr (NM_001367567.1, NM_001367569.1); c.847C>A, p.Pro283Thr (NM_001367568.1, NM_001367570.1); c.2917C>A, p.Pro973Thr (NM_016081.4); short protein forms P266T, P283T, P486T, P591T, P973T, P990T.
Identifiers: ClinVar variation 4861556 (VCV004861556.1).
Genomic context (GRCh38, chr4:168,921,651, plus strand): 5'-CCTGACAGTGCTCACAAGATGCTGGTGCGTGAGAACGGGGTGCACTCTCTGATCATAGAG[C>A]CAGTCACGTCACGTGATGCCGGCATCTACACATGTATAGCTACCAACCGAGCAGGACAGA-3'
Protein context (NP_001159580.1, residues 980-1000): ENGVHSLIIE[Pro990Thr]VTSRDAGIYT

ClinVar aggregate classification (germline): Uncertain significance (1 of 4 stars; one submission).

gnomAD v4.1: 1 of 1,609,890 alleles (0.000062%); highest among the groups gnomAD compares: East Asian, 0.0022%; no homozygotes.

Submission:

Ambry Genetics
Classification: Uncertain significance. Last evaluated: 2026-05-14. Review status: criteria provided, single submitter. Criteria: Ambry Variant Classification Scheme 2023. Collection method: clinical testing. Allele origin: germline.
Comment: The p.P486T variant (also known as c.1456C>A), located in coding exon 8 of the PALLD gene, results from a C to A substitution at nucleotide position 1456. The proline at codon 486 is replaced by threonine, an amino acid with highly similar properties. This amino acid position is conserved. In addition, the in silico prediction for this alteration is inconclusive. Based on the available evidence, the clinical significance of this variant remains unclear.